The following is an entry in ClinVar:

ClinVar aggregate classification (germline): Benign/Likely benign. Review status: criteria provided, multiple submitters, no conflicts (2 of 4 stars). 7 submissions from 6 submitters: Benign (1); Likely benign (6). Last evaluated 2026-04-01.

Conditions:
Inborn genetic diseases. Identifiers: MedGen C0950123, MeSH D030342.
Seckel syndrome 1 (SCKL1). Also called: MICROCEPHALIC PRIMORDIAL DWARFISM I. Identifiers: Orphanet 808, MedGen C4551474, MONDO:0008869, OMIM 210600.
Familial cutaneous telangiectasia and oropharyngeal predisposition cancer syndrome. Identifiers: Orphanet 313846, MedGen C3281203, MONDO:0013806, OMIM 614564.

Allele frequency attached by ClinVar (database versions not stated): gnomAD exomes 0.00010 and 0.00031; 1000 Genomes Project 30x 0.00031; ExAC 0.00032; 1000 Genomes Project 0.00040; gnomAD 0.00105 and 0.00113; ESP Exome Variant Server 0.00108; TOPMed 0.00117.
gnomAD v4.1: 312 of 1,613,874 alleles (0.019%); highest among the groups gnomAD compares: African/African-American, 0.35%; 1 homozygote.

Submissions (7):

CeGaT Center for Human Genetics Tuebingen
Classification: Likely benign. Last evaluated: 2026-04-01. Review status: criteria provided, single submitter. Criteria: CeGaT Center For Human Genetics Tuebingen Variant Classification Criteria Version 2. Collection method: clinical testing. Allele origin: germline. Affected: yes. Observed: 1 variant allele.
Comment: ATR: BP4, BP7

Labcorp Genetics (formerly Invitae), Labcorp
Classification: Benign. Last evaluated: 2025-01-06. Review status: criteria provided, single submitter. Criteria: Invitae Variant Classification Sherloc (09022015). Collection method: clinical testing. Allele origin: germline.

Blueprint Genetics
Classification: Likely benign. Last evaluated: 2024-09-20. Review status: criteria provided, single submitter. Criteria: ACMG Guidelines, 2015. Collection method: clinical testing. Allele origin: germline.

Women's Health and Genetics/Laboratory Corporation of America, LabCorp
Classification: Likely benign. Last evaluated: 2024-09-03. Review status: criteria provided, single submitter. Criteria: LabCorp Variant Classification Summary - May 2015. Collection method: clinical testing. Allele origin: germline.
Comment: Variant summary: ATR c.6726T>C alters a conserved nucleotide resulting in a synonymous change. Consensus agreement among computation tools predict no significant impact on normal splicing. However, these predictions have yet to be confirmed by functional studies. The variant allele was found at a frequency of 0.00031 in 250892 control chromosomes. This frequency is not significantly higher than estimated for a pathogenic variant in ATR causing Seckel Syndrome 1 (0.00031 vs 0.0011), allowing no conclusion about variant significance. To our knowledge, no occurrence of c.6726T>C in individuals affected with Seckel Syndrome 1 and no experimental evidence demonstrating its impact on protein function have been reported. ClinVar contains an entry for this variant (Variation ID: 697963). Based on the evidence outlined above, the variant was classified as likely benign.

Genome-Nilou Lab
Classification: Likely benign for Seckel syndrome 1. Last evaluated: 2023-02-08. Review status: criteria provided, single submitter. Criteria: ACMG Guidelines, 2015. Collection method: clinical testing. Allele origin: germline.

Genome-Nilou Lab
Classification: Likely benign for Familial cutaneous telangiectasia and oropharyngeal predisposition cancer syndrome. Last evaluated: 2023-02-08. Review status: criteria provided, single submitter. Criteria: ACMG Guidelines, 2015. Collection method: clinical testing. Allele origin: germline.

Ambry Genetics
Classification: Likely benign for Inborn genetic diseases. Last evaluated: 2022-02-15. Review status: criteria provided, single submitter. Criteria: Ambry Variant Classification Scheme 2023. Collection method: clinical testing. Allele origin: germline.

NM_001184.4(ATR):c.6726T>C (p.His2242=)

Gene: ATR (ATR checkpoint kinase; minus strand). Cytogenetic location: 3q23.
Variant type: single nucleotide variant.
Coding change: c.6726T>C on transcript NM_001184.4 (MANE Select); coding-DNA position 6726, T replaced by C.
Protein change: p.His2242=; no amino-acid change (histidine 2242 retained).
Molecular consequence: synonymous variant.
Genome position (GRCh38, 1-based): chr3:142,466,495, A>G on the plus strand (T>C on the coding strand, the complement: ATR is on the minus strand). VCF-style: chr3-142466495-A-G. GRCh37 (hg19) VCF-style: chr3-142185337-A-G.
Other names: c.6534T>C, p.His2178= (NM_001354579.2).
Identifiers: ClinVar variation 697963 (VCV000697963.16), dbSNP rs56030954, ClinGen allele CA2649273.